The following is an entry in ClinVar:

NM_001374736.1(DST):c.3600T>C (p.Ile1200=)

Gene: DST (dystonin; minus strand). Cytogenetic location: 6p12.1.
Variant type: single nucleotide variant.
Coding change: c.3600T>C on transcript NM_001374736.1 (MANE Select); coding-DNA position 3600, T replaced by C.
Protein change: p.Ile1200=; no amino-acid change (isoleucine 1200 retained).
Molecular consequence: synonymous variant.
Genome position (GRCh38, 1-based): chr6:56,634,153, A>G on the plus strand (T>C on the coding strand, the complement: DST is on the minus strand). VCF-style: chr6-56634153-A-G. GRCh37 (hg19) VCF-style: chr6-56498951-A-G.
Other names: c.3501T>C, p.Ile1167= (NM_001144769.5); c.3087T>C, p.Ile1029= (NM_001144770.2); c.3600T>C, p.Ile1200= (NM_001374722.1); c.2967T>C, p.Ile989= (NM_001374729.1, NM_001374730.1, NM_001386100.1 and 1 more transcripts); c.3627T>C, p.Ile1209= (NM_001374734.1); c.1989T>C, p.Ile663= (NM_001723.7, NM_015548.5).
Identifiers: ClinVar variation 357605 (VCV000357605.35), dbSNP rs200453699, ClinGen allele CA3871121.
Genomic context (GRCh38, chr6:56,634,153, plus strand): 5'-TTTTGGACATATCGAGTTGACATACAGATTCATACTTACTGAAGCCACATTGCTAGCTCG[A>G]ATTCTATCAATTTCATTGATGAGATAATGCCAGGATACTACACTCTTCATGTTTATGTGA-3'
Protein context (NP_001361665.1, residues 1190-1210): WHYLINEIDR[Ile1200=]RASNVASIKT

ClinVar aggregate classification (germline): Benign/Likely benign. Review status: criteria provided, multiple submitters, no conflicts (2 of 4 stars). 4 submissions from 4 submitters: Benign (1); Likely benign (3). Last evaluated 2026-01-19.

Conditions:
DST-related disorder. Also called: DST-related condition; DST-related disorders.
Hereditary sensory and autonomic neuropathy type 6. Also called: Neuropathy, hereditary sensory and autonomic, type VI; HSAN VI. Identifiers: Orphanet 314381, MedGen C3539003, MONDO:0013839, OMIM 614653.
Epidermolysis bullosa simplex 3, localized or generalized intermediate, with BP230 deficiency (EBS3). Also called: Epidermolysis bullosa simplex due to BP230 deficiency; Epidermolysis bullosa simplex, autosomal recessive 2. Identifiers: Orphanet 412181, MedGen C3809470, MONDO:0014180, OMIM 615425.

Allele frequency attached by ClinVar (database versions not stated): gnomAD 0.00004 and 0.00025; TOPMed 0.00008; gnomAD exomes 0.00057 and 0.00118; ExAC 0.00146; 1000 Genomes Project 30x 0.00156; 1000 Genomes Project 0.00160.
gnomAD v4.1: 880 of 1,613,342 alleles (0.055%); highest among the groups gnomAD compares: South Asian, 0.9%; 13 homozygotes.

Submissions (4):

Labcorp Genetics (formerly Invitae), Labcorp
Classification: Benign for Epidermolysis bullosa simplex 3, localized or generalized intermediate, with BP230 deficiency; Hereditary sensory and autonomic neuropathy type 6. Last evaluated: 2026-01-19. Review status: criteria provided, single submitter. Criteria: Invitae Variant Classification Sherloc (09022015). Collection method: clinical testing. Allele origin: germline.

PreventionGenetics, part of Exact Sciences
Classification: Likely benign for DST-related condition. Last evaluated: 2025-08-26. Review status: criteria provided, single submitter. Criteria: ACMG Guidelines, 2015. Collection method: clinical testing. Allele origin: germline.
Comment: This variant is classified as likely benign based on ACMG/AMP sequence variant interpretation guidelines (Richards et al. 2015 PMID: 25741868, with internal and published modifications).

CeGaT Center for Human Genetics Tuebingen
Classification: Likely benign. Last evaluated: 2024-12-01. Review status: criteria provided, single submitter. Criteria: CeGaT Center For Human Genetics Tuebingen Variant Classification Criteria Version 2. Collection method: clinical testing. Allele origin: germline. Affected: yes. Observed: 2 variant alleles.
Comment: DST: BP4, BP7, BS2

Blueprint Genetics
Classification: Likely benign. Last evaluated: 2024-06-25. Review status: criteria provided, single submitter. Criteria: ACMG Guidelines, 2015. Collection method: clinical testing. Allele origin: germline.